The following is an entry in ClinVar:

NM_015214.3(DDHD2):c.724C>T (p.Arg242Cys)

Gene: DDHD2 (DDHD domain containing 2; plus strand). Cytogenetic location: 8p11.23.
Variant type: single nucleotide variant.
Coding change: c.724C>T on transcript NM_015214.3 (MANE Select); coding-DNA position 724, C replaced by T.
Protein change: p.Arg242Cys; replaces arginine 242 with cysteine.
Molecular consequence: missense variant. On other transcripts: non-coding transcript variant (2).
Genome position (GRCh38, 1-based): chr8:38,242,261, C>T. VCF-style: chr8-38242261-C-T. GRCh37 (hg19) VCF-style: chr8-38099779-C-T.
Other names: c.724C>T (NM_015214.2); c.724C>T, p.Arg242Cys (NM_001164232.2, NM_001362911.2, NM_001362912.2 and 1 more transcripts); c.634C>T, p.Arg212Cys (NM_001362913.2); short protein forms R212C, R242C.
Identifiers: ClinVar variation 988994 (VCV000988994.8), dbSNP rs1380005347, ClinGen allele CA370718056.

ClinVar aggregate classification (germline): Conflicting classifications of pathogenicity. Review status: criteria provided, conflicting classifications (1 of 4 stars). 3 submissions from 3 submitters: Pathogenic (1); Likely pathogenic (1); Uncertain significance (1). Last evaluated 2022-08-13.

Conditions:
Hereditary spastic paraplegia 54. Also called: Spastic paraplegia 54, autosomal recessive. Identifiers: Orphanet 320380, MedGen C3539495, MONDO:0014018, OMIM 615033.

Allele frequency attached by ClinVar (database versions not stated): TOPMed below 0.00001; gnomAD 0.00002; gnomAD exomes 0.00002.
gnomAD v4.1: 35 of 1,585,754 alleles (0.0022%); highest among the groups gnomAD compares: Non-Finnish European, 0.0028%; no homozygotes.

Submissions (3):

Labcorp Genetics (formerly Invitae), Labcorp
Classification: Uncertain significance for Hereditary spastic paraplegia 54. Last evaluated: 2022-08-13. Review status: criteria provided, single submitter. Criteria: Invitae Variant Classification Sherloc (09022015). Collection method: clinical testing. Allele origin: germline.
Comment: This sequence change replaces arginine, which is basic and polar, with cysteine, which is neutral and slightly polar, at codon 242 of the DDHD2 protein (p.Arg242Cys). This variant is present in population databases (no rsID available, gnomAD 0.005%). This variant has not been reported in the literature in individuals affected with DDHD2-related conditions. ClinVar contains an entry for this variant (Variation ID: 988994). Algorithms developed to predict the effect of missense changes on protein structure and function are either unavailable or do not agree on the potential impact of this missense change (SIFT: "Deleterious"; PolyPhen-2: "Possibly Damaging"; Align-GVGD: "Class C0"). In summary, the available evidence is currently insufficient to determine the role of this variant in disease. Therefore, it has been classified as a Variant of Uncertain Significance.

Victorian Clinical Genetics Services, Murdoch Childrens Research Institute
Classification: Likely pathogenic for Hereditary spastic paraplegia 54. Last evaluated: 2022-02-02. Review status: criteria provided, single submitter. Criteria: ACMG Guidelines, 2015. Collection method: clinical testing. Allele origin: germline. Inheritance: Autosomal recessive inheritance. Affected: yes.
Comment: Based on the classification scheme VCGS_Germline_v1.3.4, this variant is classified as Likely pathogenic. Following criteria are met: 0102 - Loss of function is a known mechanism of disease in this gene and is associated with spastic paraplegia 54 (MIM#615033). (I) 0106 - This gene is associated with autosomal recessive disease. (I) 0200 - Variant is predicted to result in a missense amino acid change from arginine to cysteine. (I) 0251 - This variant is heterozygous. (I) 0304 - Variant is present in gnomAD (v2) <0.01 for a recessive condition (6 heterozygotes, 0 homozygotes). (SP) 0309 - An alternative amino acid change at the same position has been observed in gnomAD (v3) (4 heterozygotes, 0 homozygotes). (I) 0501 - Missense variant consistently predicted to be damaging by multiple in silico tools or highly conserved with a major amino acid change. (SP) 0604 - Variant is not located in an established domain, motif, hotspot or informative constraint region. (I) 0708 - Another missense variant comparable to the one identified in this case has conflicting previous evidence for pathogenicity. The alternative change to a histidine has been reported both as pathogenic and VUS (ClinVar). (I) 0803 - This variant has limited previous evidence of pathogenicity in unrelated individuals. This variant has been reported as pathogenic in individuals with spastic paraplegia (ClinVar, PMID: 31271950). (SP) 0905 - No published segregation evidence has been identified for this variant. (I) 1007 - No published functional evidence has been identified for this variant. (I) 1208 - Inheritance information for this variant is not currently available in this individual. (I) Legend: (SP) - Supporting pathogenic, (I) - Information, (SB) - Supporting benign

Paris Brain Institute, Inserm - ICM
Classification: Pathogenic for Hereditary spastic paraplegia 54. Review status: criteria provided, single submitter. Criteria: ACMG Guidelines, 2015. Collection method: clinical testing. Allele origin: unknown. Affected: yes. Observed: 1 variant allele.

Literature cited by the submitters: PubMed 31271950 (cited by Victorian Clinical Genetics Services, Murdoch Childrens Research Institute).